The following is an entry in ClinVar:

ClinVar aggregate classification (germline): Benign. Review status: criteria provided, multiple submitters, no conflicts (2 of 4 stars). 3 submissions from 2 submitters: Benign (3). Last evaluated 2018-01-13.

Conditions:
Meckel syndrome, type 1 (MKS1). Also called: MECKEL-GRUBER SYNDROME, TYPE 1. Identifiers: Orphanet 564, MedGen C3714506, MONDO:0009571, OMIM 249000.
Bardet-Biedl syndrome 13 (BBS13). Identifiers: Orphanet 110, MedGen C2673873, MONDO:0014441, OMIM 615990.

Allele frequency attached by ClinVar (database versions not stated): TOPMed 0.07896; gnomAD 0.08215 and 0.08320; 1000 Genomes Project 30x 0.08245; 1000 Genomes Project 0.08626; gnomAD exomes 0.09176 and 0.10076; ExAC 0.10279.

Submissions (3):

Illumina Laboratory Services, Illumina
Classification: Benign for Bardet-Biedl syndrome 13. Last evaluated: 2018-01-13. Review status: criteria provided, single submitter. Criteria: ICSL Variant Classification Criteria 13 December 2019. Collection method: clinical testing. Allele origin: germline.
Comment: This variant was observed in the ICSL laboratory as part of a predisposition screen in an ostensibly healthy population. It had not been previously curated by ICSL or reported in the Human Gene Mutation Database (HGMD: prior to June 1st, 2018), and was therefore a candidate for classification through an automated scoring system. Utilizing variant allele frequency, disease prevalence and penetrance estimates, and inheritance mode, an automated score was calculated to assess if this variant is too frequent to cause the disease. Based on the score and internal cut-off values, a variant classified as benign is not then subjected to further curation. The score for this variant resulted in a classification of benign for this disease.

Illumina Laboratory Services, Illumina
Classification: Benign for Meckel syndrome, type 1. Last evaluated: 2018-01-13. Review status: criteria provided, single submitter. Criteria: ICSL Variant Classification Criteria 13 December 2019. Collection method: clinical testing. Allele origin: germline.
Comment: the same text as in the submission from Illumina Laboratory Services, Illumina above.

Breakthrough Genomics
Classification: Benign. Review status: criteria provided, single submitter. Criteria: ACMG Guidelines, 2015. Collection method: not provided. Allele origin: germline. Inheritance: Autosomal recessive inheritance. Affected: yes.

NM_017777.4(MKS1):c.*414C>T

Gene: MKS1 (MKS transition zone complex subunit 1; minus strand). Cytogenetic location: 17q22.
Variant type: single nucleotide variant.
Coding change: c.*414C>T on transcript NM_017777.4 (MANE Select); 414 bases downstream of the stop codon, C replaced by T.
Molecular consequence: 3 prime UTR variant.
Genome position (GRCh38, 1-based): chr17:58,205,665, G>A on the plus strand (C>T on the coding strand, the complement: MKS1 is on the minus strand). VCF-style: chr17-58205665-G-A. GRCh37 (hg19) VCF-style: chr17-56283026-G-A.
Other names: c.*414C>T (NM_001321268.2); c.*325C>T (NM_001321269.2); c.*506C>T (NM_001330397.2).
Identifiers: ClinVar variation 324154 (VCV000324154.6), dbSNP rs2302313, ClinGen allele CA8669033.